The following is an entry in ClinVar:

NM_004360.5(CDH1):c.2296-41T>C

Gene: CDH1 (cadherin 1; plus strand). Cytogenetic location: 16q22.1.
Variant type: single nucleotide variant.
Coding change: c.2296-41T>C on transcript NM_004360.5 (MANE Select); 41 bases into the intron before coding-DNA position 2296, T replaced by C.
Molecular consequence: intron variant.
Genome position (GRCh38, 1-based): chr16:68,829,613, T>C. VCF-style: chr16-68829613-T-C. GRCh37 (hg19) VCF-style: chr16-68863516-T-C.
Other names: c.748-41T>C (NM_001317185.2); c.331-41T>C (NM_001317186.2); c.2113-41T>C (NM_001317184.2).
Identifiers: ClinVar variation 2503000 (VCV002503000.1), dbSNP rs2543956457, ClinGen allele CA2580612897.
Genomic context (GRCh38, chr16:68,829,613, plus strand): 5'-GAAGGCATCATCCAACCATAATCTATAAACTGAACATAGCCCTGTGTGTATGACTATTTC[T>C]TTCCTACTCTTCATTGTACTTCAACCTTTTTTCTCCAAAGGACTTTGACTTGAGCCAGCT-3'

ClinVar aggregate classification (germline): Uncertain significance (1 of 4 stars; one submission).

Conditions:
Hereditary diffuse gastric adenocarcinoma (HDGC). Also called: DIFFUSE GASTRIC AND LOBULAR BREAST CANCER SYNDROME. Identifiers: Orphanet 26106, MedGen C1708349, MONDO:0007648, OMIM 137215.

Submission:

European Reference Network on Genetic Tumour Risk Syndromes (ERN-GENTURIS), i3s - Instituto de Investigação e Inovação em Saúde, University of Porto
Classification: Uncertain significance for Hereditary diffuse gastric adenocarcinoma. Last evaluated: 2022-08-01. Review status: criteria provided, single submitter. Criteria: Lee et al. (Hum Mutat. 2018). Collection method: clinical testing. Allele origin: germline. Inheritance: Autosomal dominant inheritance. Affected: no. Study: ERN GENTURIS.
Comment: PM2 (PMID: 30311375)

Literature cited by the submitters: PubMed 36436516.